The following is an entry in ClinVar:

NM_001110354.2(ZP3):c.1113G>T (p.Arg371Ser)

Gene: ZP3 (zona pellucida glycoprotein 3; plus strand). Cytogenetic location: 7q11.23.
Variant type: single nucleotide variant.
Coding change: c.1113G>T on transcript NM_001110354.2 (MANE Select); coding-DNA position 1113, G replaced by T.
Protein change: p.Arg371Ser; replaces arginine 371 with serine.
Molecular consequence: missense variant.
Genome position (GRCh38, 1-based): chr7:76,441,894, G>T. VCF-style: chr7-76441894-G-T. GRCh37 (hg19) VCF-style: chr7-76071211-G-T.
Other names: c.960G>T, p.Arg320Ser (NM_007155.6); short protein forms R320S, R371S.
Identifiers: ClinVar variation 712658 (VCV000712658.30), dbSNP rs200481427, ClinGen allele CA4307672.

ClinVar aggregate classification (germline): Benign. Review status: criteria provided, multiple submitters, no conflicts (2 of 4 stars). 3 submissions from 3 submitters: Benign (3). Last evaluated 2024-06-01.

Allele frequency attached by ClinVar (database versions not stated): gnomAD exomes 0.00120 and 0.00230; gnomAD 0.00149 and 0.00193; ExAC 0.00277; 1000 Genomes Project 30x 0.00468; 1000 Genomes Project 0.00519.
gnomAD v4.1: 2,109 of 1,609,854 alleles (0.13%); highest among the groups gnomAD compares: South Asian, 1.5%; 32 homozygotes.

Submissions (3):

CeGaT Center for Human Genetics Tuebingen
Classification: Benign. Last evaluated: 2024-06-01. Review status: criteria provided, single submitter. Criteria: CeGaT Center For Human Genetics Tuebingen Variant Classification Criteria Version 2. Collection method: clinical testing. Allele origin: germline. Affected: yes. Observed: 3 variant alleles.
Comment: ZP3: PP2, BP4, BS1, BS2

Labcorp Genetics (formerly Invitae), Labcorp
Classification: Benign. Last evaluated: 2019-12-31. Review status: criteria provided, single submitter. Criteria: Invitae Variant Classification Sherloc (09022015). Collection method: clinical testing. Allele origin: germline.

Breakthrough Genomics
Classification: Benign. Review status: criteria provided, single submitter. Criteria: ACMG Guidelines, 2015. Collection method: not provided. Allele origin: germline. Inheritance: Autosomal dominant inheritance. Affected: yes.